The following is an entry in ClinVar:

NM_004369.4(COL6A3):c.979G>T (p.Asp327Tyr)

Gene: COL6A3 (collagen type VI alpha 3 chain; minus strand). Cytogenetic location: 2q37.3.
Variant type: single nucleotide variant.
Coding change: c.979G>T on transcript NM_004369.4 (MANE Select); coding-DNA position 979, G replaced by T.
Protein change: p.Asp327Tyr; replaces aspartic acid 327 with tyrosine.
Molecular consequence: missense variant. On other transcripts: intron variant (2).
Genome position (GRCh38, 1-based): chr2:237,387,915, C>A on the plus strand (G>T on the coding strand, the complement: COL6A3 is on the minus strand). VCF-style: chr2-237387915-C-A. GRCh37 (hg19) VCF-style: chr2-238296558-C-A.
Other names: c.361G>T, p.Asp121Tyr (NM_057165.5, NM_057167.4); c.92-6416G>T (NM_057166.5, NM_057164.5); short protein forms D327Y, D121Y.
Identifiers: ClinVar variation 1045990 (VCV001045990.9), dbSNP rs2078190150, ClinGen allele CA351222664.
Genomic context (GRCh38, chr2:237,387,915, plus strand): 5'-GAACCCCTTCCTCCACGCGGCTGCCCCCTGCCCGGGTGAAGTGGTTCTCCACCACGAAAT[C>A]AAGGGCGAGGCCGATATTGGCCAACTCCCCACCAGCAAACCCGAGGGCTTTCACTGCACC-3'
Protein context (NP_004360.2, residues 317-337): GELANIGLAL[Asp327Tyr]FVVENHFTRA

ClinVar aggregate classification (germline): Uncertain significance (1 of 4 stars; one submission).

Conditions:
Bethlem myopathy 1A. Also called: Bethlem Muscular Dystrophy; MYOPATHY, BENIGN CONGENITAL, WITH CONTRACTURES; Bethlem myopathy 1. Identifiers: Orphanet 610, MedGen CN029274, MONDO:0024530, OMIM 158810.

Submission:

Labcorp Genetics (formerly Invitae), Labcorp
Classification: Uncertain significance for Bethlem myopathy 1A. Last evaluated: 2020-10-28. Review status: criteria provided, single submitter. Criteria: Invitae Variant Classification Sherloc (09022015). Collection method: clinical testing. Allele origin: germline.
Comment: In summary, the available evidence is currently insufficient to determine the role of this variant in disease. Therefore, it has been classified as a Variant of Uncertain Significance. Advanced modeling of protein sequence and biophysical properties (such as structural, functional, and spatial information, amino acid conservation, physicochemical variation, residue mobility, and thermodynamic stability) performed at Invitae indicates that this missense variant is not expected to disrupt COL6A3 protein function. This variant has not been reported in the literature in individuals with COL6A3-related conditions. This variant is not present in population databases (ExAC no frequency). This sequence change replaces aspartic acid with tyrosine at codon 327 of the COL6A3 protein (p.Asp327Tyr). The aspartic acid residue is weakly conserved and there is a large physicochemical difference between aspartic acid and tyrosine.